The following is an entry in ClinVar:

NM_139159.5(DPP9):c.495C>T (p.Val165=)

Genes: DPP9 (dipeptidyl peptidase 9; minus strand), LOC126862841 (BRD4-independent group 4 enhancer GRCh37_chr19:4703720-4704919; plus strand). Cytogenetic location: 19p13.3.
Variant type: single nucleotide variant.
Coding change: c.495C>T on transcript NM_139159.5 (MANE Select); coding-DNA position 495, C replaced by T.
Protein change: p.Val165=; no amino-acid change (valine 165 retained).
Molecular consequence: synonymous variant. On other transcripts: non-coding transcript variant (11).
Genome position (GRCh38, 1-based): chr19:4,704,236, G>A on the plus strand (C>T on the coding strand, the complement: DPP9 is on the minus strand). VCF-style: chr19-4704236-G-A. GRCh37 (hg19) VCF-style: chr19-4704248-G-A.
Other names: c.495C>T, p.Val165= (NM_001365987.2, NM_001384611.1, NM_001384612.1 and 19 more transcripts); c.408C>T, p.Val136= (NM_001384623.1, NM_001384624.1, NM_001384625.1 and 4 more transcripts).
Identifiers: ClinVar variation 3777796 (VCV003777796.7).

ClinVar aggregate classification (germline): Likely benign (1 of 4 stars; one submission).

gnomAD v4.1: 426 of 1,613,874 alleles (0.026%); highest among the groups gnomAD compares: Non-Finnish European, 0.032%; no homozygotes.

Submission:

CeGaT Center for Human Genetics Tuebingen
Classification: Likely benign. Last evaluated: 2025-03-01. Review status: criteria provided, single submitter. Criteria: CeGaT Center For Human Genetics Tuebingen Variant Classification Criteria Version 2. Collection method: clinical testing. Allele origin: germline. Affected: yes. Observed: 1 variant allele.
Comment: DPP9: BP4, BP7